The following is an entry in ClinVar:

ClinVar aggregate classification (germline): Uncertain significance. Review status: criteria provided, multiple submitters, no conflicts (2 of 4 stars). 2 submissions from 2 submitters: Uncertain significance (2). Last evaluated 2022-01-05.

Conditions:
Myopathy, congenital, with tremor. Also called: myogenic tremor; CONGENITAL MYOPATHY 16. Identifiers: MedGen C5231401, MONDO:0032797, OMIM 618524.
Lethal congenital contracture syndrome 4 (LCCS4). Identifiers: MedGen C3554046, MONDO:0013965, OMIM 614915.
Arthrogryposis, distal, type 1B. Identifiers: Orphanet 1146, MedGen C3280526, MONDO:0013698, OMIM 614335.

Allele frequency attached by ClinVar (database versions not stated): ExAC 0.00002; gnomAD exomes 0.00002; TOPMed 0.00002.
gnomAD v4.1: 7 of 1,614,052 alleles (0.00043%); highest among the groups gnomAD compares: African/African-American, 0.004%; no homozygotes.

Submissions (2):

Fulgent Genetics
Classification: Uncertain significance for Arthrogryposis, distal, type 1B; Lethal congenital contracture syndrome 4; Myopathy, congenital, with tremor. Last evaluated: 2022-01-05. Review status: criteria provided, single submitter. Criteria: ACMG Guidelines, 2015. Collection method: clinical testing. Allele origin: unknown.

GeneDx
Classification: Uncertain significance. Last evaluated: 2020-07-01. Review status: criteria provided, single submitter. Criteria: GeneDx Variant Classification Process June 2021. Collection method: clinical testing. Allele origin: germline. Affected: yes.
Comment: In silico analysis, which includes protein predictors and evolutionary conservation, supports that this variant does not alter protein structure/function; Has not been previously published as pathogenic or benign to our knowledge

NM_002465.4(MYBPC1):c.437G>A (p.Arg146Gln)

Gene: MYBPC1 (myosin binding protein C1; plus strand). Cytogenetic location: 12q23.2.
Variant type: single nucleotide variant.
Coding change: c.437G>A on transcript NM_002465.4 (MANE Select); coding-DNA position 437, G replaced by A.
Protein change: p.Arg146Gln; replaces arginine 146 with glutamine.
Molecular consequence: missense variant.
Genome position (GRCh38, 1-based): chr12:101,631,718, G>A. VCF-style: chr12-101631718-G-A. GRCh37 (hg19) VCF-style: chr12-102025496-G-A.
Other names: c.362G>A, p.Arg121Gln (NM_001254718.3, NM_001254719.3, NM_001254721.3 and 4 more transcripts); c.326G>A, p.Arg109Gln (NM_001254720.3); c.284G>A, p.Arg95Gln (NM_001254722.3, NM_001404677.1, NM_001404679.1 and 2 more transcripts); c.323G>A, p.Arg108Gln (NM_001254723.3); c.437G>A, p.Arg146Gln (NM_001404675.1, NM_206819.4); short protein forms R108Q, R109Q, R121Q, R146Q, R95Q.
Identifiers: ClinVar variation 1211435 (VCV001211435.6), dbSNP rs778424803, ClinGen allele CA6744506.